The following is an entry in ClinVar:

ClinVar aggregate classification (germline): Uncertain significance (1 of 4 stars; one submission).

Conditions:
Hereditary cancer-predisposing syndrome. Also called: Hereditary Cancer Syndrome; Neoplastic Syndromes, Hereditary; Hereditary neoplastic syndrome; Tumor predisposition. Identifiers: Orphanet 140162, MedGen C0027672, MeSH D009386, MONDO:0015356.

Submission:

Ambry Genetics
Classification: Uncertain significance for Hereditary cancer-predisposing syndrome. Last evaluated: 2016-12-07. Review status: criteria provided, single submitter. Criteria: Ambry Variant Classification Scheme 2023. Collection method: clinical testing. Allele origin: germline.
Comment: The c.3421_3453del33 variant (also known as p.A1141_G1151del) is located in coding exon 29 of the TSC2 gene. This variant results from an in-frame deletion of 33 nucleotides at positions 3421 to 3453. This results in the in-frame deletion of 11 amino acids at codons 1141 to 1151. This variant has been determined to be the result of a de novo mutation or germline mosaicism in one family. This amino acid position is poorly conserved in available vertebrate species. Since supporting evidence is limited at this time, the clinical significance of this variant remains unclear.

NM_000548.5(TSC2):c.3421_3453del (p.Ala1141_Gly1151del)

Gene: TSC2 (TSC complex subunit 2; plus strand). Cytogenetic location: 16p13.3.
Variant type: Deletion.
Coding change: c.3421_3453del on transcript NM_000548.5 (MANE Select); coding-DNA positions 3421 to 3453, 33 bases deleted.
Protein change: p.Ala1141_Gly1151del.
Molecular consequence: inframe deletion.
Genome position (GRCh38, 1-based): chr16:2,080,188-2,080,220, 33 bases deleted; deleting any 33 consecutive bases within chr16:2,080,185-2,080,220 gives the same sequence; the c. name uses the placement nearest the transcript's 3' end. GRCh37 (hg19): chr16:2,130,189-2,130,221.
Other names: c.3289_3321del, p.Ala1097_Gly1107del (NM_001077183.3, NM_001370404.1); c.3421_3453del, p.Ala1141_Gly1151del (NM_001114382.3); c.3181_3213del, p.Ala1061_Gly1071del (NM_001318827.2); c.3145_3177del, p.Ala1049_Gly1059del (NM_001318829.2); c.2689_2721del, p.Ala897_Gly907del (NM_001318831.2); c.3322_3354del, p.Ala1108_Gly1118del (NM_001318832.2); c.3292_3324del, p.Ala1098_Gly1108del (NM_001363528.2, NM_001370405.1, NM_021055.3).
Identifiers: ClinVar variation 427998 (VCV000427998.5), dbSNP rs1114167467, ClinGen allele CA645369667.